The following is an entry in ClinVar:

NM_001365536.1(SCN9A):c.597-3C>A

Gene: SCN9A (sodium voltage-gated channel alpha subunit 9; minus strand). Cytogenetic location: 2q24.3.
Variant type: single nucleotide variant.
Coding change: c.597-3C>A on transcript NM_001365536.1 (MANE Select); 3 bases into the intron before coding-DNA position 597, C replaced by A.
Molecular consequence: intron variant.
Genome position (GRCh38, 1-based): chr2:166,304,332, G>T on the plus strand (C>A on the coding strand, the complement: SCN9A is on the minus strand). VCF-style: chr2-166304332-G-T. GRCh37 (hg19) VCF-style: chr2-167160842-G-T.
Other names: c.597-3C>A (NM_002977.4).
Identifiers: ClinVar variation 2946447 (VCV002946447.3), dbSNP rs2468123938, ClinGen allele CA2740095797.

ClinVar aggregate classification (germline): Uncertain significance (1 of 4 stars; one submission).

Conditions:
Neuropathy, hereditary sensory and autonomic, type 2A (HSAN2A). Also called: HSAN IIA; WNK1-Related HSAN2 (HSAN2A); ACROOSTEOLYSIS, GIACCAI TYPE; ACROOSTEOLYSIS, NEUROGENIC; MORVAN DISEASE; NEUROPATHY, CONGENITAL SENSORY. Identifiers: Orphanet 970, MedGen C2752089, MONDO:0024309, OMIM 201300.
Generalized epilepsy with febrile seizures plus, type 7 (GEFSP7). Also called: GEFS+, TYPE 7. Identifiers: Orphanet 36387, MedGen C2751778, MONDO:0013470, OMIM 613863.

Submission:

Labcorp Genetics (formerly Invitae), Labcorp
Classification: Uncertain significance for Neuropathy, hereditary sensory and autonomic, type 2A; Generalized epilepsy with febrile seizures plus, type 7. Last evaluated: 2023-04-09. Review status: criteria provided, single submitter. Criteria: Invitae Variant Classification Sherloc (09022015). Collection method: clinical testing. Allele origin: germline.
Comment: In summary, the available evidence is currently insufficient to determine the role of this variant in disease. Therefore, it has been classified as a Variant of Uncertain Significance. Variants that disrupt the consensus splice site are a relatively common cause of aberrant splicing (PMID: 17576681, 9536098). Algorithms developed to predict the effect of sequence changes on RNA splicing suggest that this variant may disrupt the consensus splice site. This variant has not been reported in the literature in individuals affected with SCN9A-related conditions. This variant is not present in population databases (gnomAD no frequency). This sequence change falls in intron 5 of the SCN9A gene. It does not directly change the encoded amino acid sequence of the SCN9A protein. It affects a nucleotide within the consensus splice site.

Literature cited by the submitters: PubMed 17576681; PubMed 9536098.